The following is an entry in ClinVar:

ClinVar aggregate classification (germline): Uncertain significance (1 of 4 stars; one submission).

Conditions:
DICER1-related tumor predisposition. Also called: DICER1 syndrome; DICER1-related pleuropulmonary blastoma cancer predisposition syndrome. Identifiers: Orphanet 284343, MedGen C3839822, MONDO:0100216.

Allele frequency attached by ClinVar (database versions not stated): gnomAD exomes below 0.00001.
gnomAD v4.1: 1 of 1,613,654 alleles (0.000062%); highest among the groups gnomAD compares: Non-Finnish European, 0.000085%; no homozygotes.

Submission:

Labcorp Genetics (formerly Invitae), Labcorp
Classification: Uncertain significance for DICER1-related tumor predisposition. Last evaluated: 2019-01-21. Review status: criteria provided, single submitter. Criteria: Invitae Variant Classification Sherloc (09022015). Collection method: clinical testing. Allele origin: germline.
Comment: In summary, the available evidence is currently insufficient to determine the role of this variant in disease. Therefore, it has been classified as a Variant of Uncertain Significance. Algorithms developed to predict the effect of missense changes on protein structure and function (SIFT, PolyPhen-2, Align-GVGD) all suggest that this variant is likely to be disruptive, but these predictions have not been confirmed by published functional studies and their clinical significance is uncertain. This variant has not been reported in the literature in individuals with DICER1-related conditions. This variant is not present in population databases (ExAC no frequency). This sequence change replaces proline with leucine at codon 1035 of the DICER1 protein (p.Pro1035Leu). The proline residue is highly conserved and there is a moderate physicochemical difference between proline and leucine.

NM_177438.3(DICER1):c.3104C>T (p.Pro1035Leu)

Gene: DICER1 (dicer 1, ribonuclease III; minus strand). Cytogenetic location: 14q32.13.
Variant type: single nucleotide variant.
Coding change: c.3104C>T on transcript NM_177438.3 (MANE Select); coding-DNA position 3104, C replaced by T.
Protein change: p.Pro1035Leu; replaces proline 1035 with leucine.
Molecular consequence: missense variant.
Genome position (GRCh38, 1-based): chr14:95,105,236, G>A on the plus strand (C>T on the coding strand, the complement: DICER1 is on the minus strand). VCF-style: chr14-95105236-G-A. GRCh37 (hg19) VCF-style: chr14-95571573-G-A.
Other names: c.3104C>T, p.Pro1035Leu (NM_001195573.1, NM_001271282.3, NM_001291628.2 and 1 more transcripts); short protein forms P1035L.
Identifiers: ClinVar variation 860649 (VCV000860649.11), dbSNP rs1891309406, ClinGen allele CA390876938.